The following is an entry in ClinVar:

NM_006623.4(PHGDH):c.476A>G (p.Glu159Gly)

Gene: PHGDH (phosphoglycerate dehydrogenase; plus strand). Cytogenetic location: 1p12.
Variant type: single nucleotide variant.
Coding change: c.476A>G on transcript NM_006623.4 (MANE Select); coding-DNA position 476, A replaced by G.
Protein change: p.Glu159Gly; replaces glutamic acid 159 with glycine.
Molecular consequence: missense variant.
Genome position (GRCh38, 1-based): chr1:119,727,068, A>G. VCF-style: chr1-119727068-A-G. GRCh37 (hg19) VCF-style: chr1-120269691-A-G.
Other names: short protein forms E159G.
Identifiers: ClinVar variation 875373 (VCV000875373.7), dbSNP rs756996899, ClinGen allele CA1037111.
Genomic context (GRCh38, chr1:119,727,068, plus strand): 5'-TGGGAACAGAGCTGAATGGAAAGACCCTGGGAATTCTTGGCCTGGGCAGGATTGGGAGAG[A>G]GGTAGCTACCCGGATGCAGTCCTTTGGGATGAAGGTAAGATGTTGCTGGAACCCTGTGAT-3'
Protein context (NP_006614.2, residues 149-169): GILGLGRIGR[Glu159Gly]VATRMQSFGM

ClinVar aggregate classification (germline): Uncertain significance. Review status: criteria provided, multiple submitters, no conflicts (2 of 4 stars). 4 submissions from 3 submitters: Uncertain significance (4). Last evaluated 2023-04-11.

Conditions:
PHGDH deficiency. Identifiers: Orphanet 79351, MedGen C1866174, MONDO:0011152, OMIM 601815.
Neu-Laxova syndrome 1 (NLS1). Identifiers: Orphanet 2671, Orphanet 583607, MedGen C4551478, MONDO:0009736, OMIM 256520. Disease mechanism: loss of function.

Allele frequency attached by ClinVar (database versions not stated): gnomAD exomes below 0.00001; TOPMed below 0.00001; ExAC 0.00001.
gnomAD v4.1: 1 of 1,611,608 alleles (0.000062%); highest among the groups gnomAD compares: Non-Finnish European, 0.000085%; no homozygotes.

Submissions (4):

Genome-Nilou Lab
Classification: Uncertain significance for Neu-Laxova syndrome 1. Last evaluated: 2023-04-11. Review status: criteria provided, single submitter. Criteria: ACMG Guidelines, 2015. Collection method: clinical testing. Allele origin: germline. Affected: no.

Genome-Nilou Lab
Classification: Uncertain significance for PHGDH deficiency. Last evaluated: 2023-04-11. Review status: criteria provided, single submitter. Criteria: ACMG Guidelines, 2015. Collection method: clinical testing. Allele origin: germline. Affected: no.

Labcorp Genetics (formerly Invitae), Labcorp
Classification: Uncertain significance for PHGDH deficiency. Last evaluated: 2021-08-31. Review status: criteria provided, single submitter. Criteria: Invitae Variant Classification Sherloc (09022015). Collection method: clinical testing. Allele origin: germline.
Comment: This sequence change replaces glutamic acid with glycine at codon 159 of the PHGDH protein (p.Glu159Gly). The glutamic acid residue is highly conserved and there is a moderate physicochemical difference between glutamic acid and glycine. This variant is present in population databases (rs756996899, ExAC 0.001%). This variant has not been reported in the literature in individuals affected with PHGDH-related conditions. ClinVar contains an entry for this variant (Variation ID: 875373). Algorithms developed to predict the effect of missense changes on protein structure and function (SIFT, PolyPhen-2, Align-GVGD) all suggest that this variant is likely to be disruptive. In summary, the available evidence is currently insufficient to determine the role of this variant in disease. Therefore, it has been classified as a Variant of Uncertain Significance.

Illumina Laboratory Services, Illumina
Classification: Uncertain significance for PHGDH deficiency. Last evaluated: 2018-01-13. Review status: criteria provided, single submitter. Criteria: ICSL Variant Classification Criteria 13 December 2019. Collection method: clinical testing. Allele origin: germline.